The following is an entry in ClinVar:

NM_000289.6(PFKM):c.165T>A (p.Tyr55Ter)

Gene: PFKM (phosphofructokinase, muscle; plus strand). Cytogenetic location: 12q13.11.
Variant type: single nucleotide variant.
Coding change: c.165T>A on transcript NM_000289.6 (MANE Select); coding-DNA position 165, T replaced by A.
Protein change: p.Tyr55Ter; replaces tyrosine 55 with a stop codon.
Molecular consequence: nonsense. On other transcripts: non-coding transcript variant (6).
Genome position (GRCh38, 1-based): chr12:48,131,321, T>A. VCF-style: chr12-48131321-T-A. GRCh37 (hg19) VCF-style: chr12-48525104-T-A.
Other names: c.378T>A, p.Tyr126Ter (NM_001166686.2, NM_001354737.1, NM_001354738.1 and 1 more transcripts); c.165T>A, p.Tyr55Ter (NM_001166687.2, NM_001166688.2, NM_001354742.2 and 4 more transcripts); c.474T>A, p.Tyr158Ter (NM_001354735.1, NM_001354736.1); c.309T>A, p.Tyr103Ter (NM_001354740.1); c.189T>A, p.Tyr63Ter (NM_001354741.2); c.78T>A, p.Tyr26Ter (NM_001354745.2); c.15T>A, p.Tyr5Ter (NM_001354747.2, NM_001354748.2); short protein forms Y103*, Y126*, Y158*, Y26*, Y5*, Y55*, Y63*.
Identifiers: ClinVar variation 1074467 (VCV001074467.10), dbSNP rs2135856711, ClinGen allele CA384539186.

ClinVar aggregate classification (germline): Pathogenic. Review status: criteria provided, multiple submitters, no conflicts (2 of 4 stars). 2 submissions from 2 submitters: Pathogenic (2). Last evaluated 2024-05-14.

Conditions:
Glycogen storage disease, type VII (GSD7). Also called: GSD VII; MUSCLE PHOSPHOFRUCTOKINASE DEFICIENCY; PFKM DEFICIENCY; TARUI DISEASE. Identifiers: Orphanet 371, MedGen C0017926, MONDO:0009295, OMIM 232800.

Submissions (2):

Myriad Genetics, Inc.
Classification: Pathogenic for Glycogen storage disease, type VII. Last evaluated: 2024-05-14. Review status: criteria provided, single submitter. Criteria: Myriad Autosomal Dominant, Autosomal Recessive and X-Linked Classification Criteria (2023). Collection method: clinical testing. Allele origin: unknown.
Comment: NM_001166686.1(PFKM):c.378T>A(Y126*) is expected to be pathogenic in the context of glycogen storage disease, PFKM-related. This variant is predicted to lead to an abnormal or absent protein product due to the creation of a premature termination codon in PFKM, a gene where loss-of-function variants are known to be pathogenic. Please note: this variant was assessed in the context of healthy population screening.

Labcorp Genetics (formerly Invitae), Labcorp
Classification: Pathogenic for Glycogen storage disease, type VII. Last evaluated: 2020-10-20. Review status: criteria provided, single submitter. Criteria: Invitae Variant Classification Sherloc (09022015). Collection method: clinical testing. Allele origin: germline.
Comment: This sequence change creates a premature translational stop signal (p.Tyr55*) in the PFKM gene. It is expected to result in an absent or disrupted protein product. Loss-of-function variants in PFKM are known to be pathogenic (PMID: 7825568, 8037209). This variant is not present in population databases (ExAC no frequency). This variant has been observed in individual(s) with clinical features of glycogen storage disease (PMID: 22364848). For these reasons, this variant has been classified as Pathogenic.

Literature cited by the submitters: PubMed 7825568 (cited by Labcorp Genetics (formerly Invitae), Labcorp); PubMed 8037209 (cited by Labcorp Genetics (formerly Invitae), Labcorp); PubMed 22364848 (cited by Labcorp Genetics (formerly Invitae), Labcorp).